The following is an entry in ClinVar:

ClinVar aggregate classification (germline): Uncertain significance. Review status: criteria provided, multiple submitters, no conflicts (2 of 4 stars). 2 submissions from 2 submitters: Uncertain significance (2). Last evaluated 2025-01-01.

Allele frequency attached by ClinVar (database versions not stated): ExAC 0.00008; gnomAD 0.00008; ESP Exome Variant Server 0.00023.
gnomAD v4.1: 74 of 1,611,592 alleles (0.0046%); highest among the groups gnomAD compares: African/African-American, 0.021%; no homozygotes.

Submissions (2):

Ambry Genetics
Classification: Uncertain significance. Last evaluated: 2025-01-01. Review status: criteria provided, single submitter. Criteria: Ambry Variant Classification Scheme 2023. Collection method: clinical testing. Allele origin: germline.

Labcorp Genetics (formerly Invitae), Labcorp
Classification: Uncertain significance. Last evaluated: 2023-08-09. Review status: criteria provided, single submitter. Criteria: Invitae Variant Classification Sherloc (09022015). Collection method: clinical testing. Allele origin: germline.
Comment: Advanced modeling of protein sequence and biophysical properties (such as structural, functional, and spatial information, amino acid conservation, physicochemical variation, residue mobility, and thermodynamic stability) performed at Invitae indicates that this missense variant is not expected to disrupt MRPL3 protein function. This sequence change replaces proline, which is neutral and non-polar, with leucine, which is neutral and non-polar, at codon 171 of the MRPL3 protein (p.Pro171Leu). This variant is present in population databases (rs143317681, gnomAD 0.03%). This variant has not been reported in the literature in individuals affected with MRPL3-related conditions. In summary, the available evidence is currently insufficient to determine the role of this variant in disease. Therefore, it has been classified as a Variant of Uncertain Significance.

NM_007208.4(MRPL3):c.512C>T (p.Pro171Leu)

Gene: MRPL3 (mitochondrial ribosomal protein L3; minus strand). Cytogenetic location: 3q22.1.
Variant type: single nucleotide variant.
Coding change: c.512C>T on transcript NM_007208.4 (MANE Select); coding-DNA position 512, C replaced by T.
Protein change: p.Pro171Leu; replaces proline 171 with leucine.
Molecular consequence: missense variant.
Genome position (GRCh38, 1-based): chr3:131,490,037, G>A on the plus strand (C>T on the coding strand, the complement: MRPL3 is on the minus strand). VCF-style: chr3-131490037-G-A. GRCh37 (hg19) VCF-style: chr3-131208881-G-A.
Other names: c.512C>T (NM_007208.3); short protein forms P171L.
Identifiers: ClinVar variation 2826976 (VCV002826976.4), dbSNP rs143317681, ClinGen allele CA2617084.